The following is an entry in ClinVar:

NM_002473.6(MYH9):c.2477A>G (p.Gln826Arg)

Gene: MYH9 (myosin heavy chain 9; minus strand). Cytogenetic location: 22q12.3.
Variant type: single nucleotide variant.
Coding change: c.2477A>G on transcript NM_002473.6 (MANE Select); coding-DNA position 2477, A replaced by G.
Protein change: p.Gln826Arg; replaces glutamine 826 with arginine.
Molecular consequence: missense variant.
Genome position (GRCh38, 1-based): chr22:36,302,590, T>C on the plus strand (A>G on the coding strand, the complement: MYH9 is on the minus strand). VCF-style: chr22-36302590-T-C. GRCh37 (hg19) VCF-style: chr22-36698636-T-C.
Other names: short protein forms Q826R.
Identifiers: ClinVar variation 4761855 (VCV004761855.1).

ClinVar aggregate classification (germline): Uncertain significance (1 of 4 stars; one submission).

gnomAD v4.1: 12 of 1,613,318 alleles (0.00074%); highest among the groups gnomAD compares: Non-Finnish European, 0.00093%; no homozygotes.

Submission:

Labcorp Genetics (formerly Invitae), Labcorp
Classification: Uncertain significance. Last evaluated: 2025-05-19. Review status: criteria provided, single submitter. Criteria: Invitae Variant Classification Sherloc (09022015). Collection method: clinical testing. Allele origin: germline.
Comment: This sequence change replaces glutamine, which is neutral and polar, with arginine, which is basic and polar, at codon 826 of the MYH9 protein (p.Gln826Arg). This variant is not present in population databases (gnomAD no frequency). This variant has not been reported in the literature in individuals affected with MYH9-related conditions. Invitae Evidence Modeling of protein sequence and biophysical properties (such as structural, functional, and spatial information, amino acid conservation, physicochemical variation, residue mobility, and thermodynamic stability) has been performed for this missense variant. However, the output from this modeling did not meet the statistical confidence thresholds required to predict the impact of this variant on MYH9 protein function. In summary, the available evidence is currently insufficient to determine the role of this variant in disease. Therefore, it has been classified as a Variant of Uncertain Significance.